The following is an entry in ClinVar:

ClinVar aggregate classification (germline): Uncertain significance (1 of 4 stars; one submission).

Allele frequency attached by ClinVar (database versions not stated): gnomAD 0.00001; TOPMed 0.00001; gnomAD exomes 0.00003 and 0.00006; ExAC 0.00009.
gnomAD v4.1: 42 of 1,612,602 alleles (0.0026%); highest among the groups gnomAD compares: South Asian, 0.045%; 1 homozygote.

Submission:

Labcorp Genetics (formerly Invitae), Labcorp
Classification: Uncertain significance. Last evaluated: 2024-07-24. Review status: criteria provided, single submitter. Criteria: Invitae Variant Classification Sherloc (09022015). Collection method: clinical testing. Allele origin: germline.
Comment: This sequence change falls in intron 24 of the DHX38 gene. It does not directly change the encoded amino acid sequence of the DHX38 protein. It affects a nucleotide within the consensus splice site. This variant is present in population databases (rs773633975, gnomAD 0.06%), including at least one homozygous and/or hemizygous individual. This variant has not been reported in the literature in individuals affected with DHX38-related conditions. ClinVar contains an entry for this variant (Variation ID: 1478007). Variants that disrupt the consensus splice site are a relatively common cause of aberrant splicing (PMID: 17576681, 9536098). Algorithms developed to predict the effect of sequence changes on RNA splicing suggest that this variant is not likely to affect RNA splicing. In summary, the available evidence is currently insufficient to determine the role of this variant in disease. Therefore, it has been classified as a Variant of Uncertain Significance.

Literature cited by the submitters: PubMed 17576681; PubMed 9536098.

NM_014003.4(DHX38):c.3382-3C>T

Gene: DHX38 (DEAH-box helicase 38; plus strand). Cytogenetic location: 16q22.2.
Variant type: single nucleotide variant.
Coding change: c.3382-3C>T on transcript NM_014003.4 (MANE Select); 3 bases into the intron before coding-DNA position 3382, C replaced by T.
Molecular consequence: intron variant.
Genome position (GRCh38, 1-based): chr16:72,109,412, C>T. VCF-style: chr16-72109412-C-T. GRCh37 (hg19) VCF-style: chr16-72143311-C-T.
Identifiers: ClinVar variation 1478007 (VCV001478007.5), dbSNP rs773633975, ClinGen allele CA8160963.